The following is an entry in ClinVar:

NM_003560.4(PLA2G6):c.386T>C (p.Leu129Pro)

Gene: PLA2G6 (phospholipase A2 group VI; minus strand). Cytogenetic location: 22q13.1.
Variant type: single nucleotide variant.
Coding change: c.386T>C on transcript NM_003560.4 (MANE Select); coding-DNA position 386, T replaced by C.
Protein change: p.Leu129Pro; replaces leucine 129 with proline.
Molecular consequence: missense variant. On other transcripts: 5 prime UTR variant (3).
Genome position (GRCh38, 1-based): chr22:38,145,477, A>G on the plus strand (T>C on the coding strand, the complement: PLA2G6 is on the minus strand). VCF-style: chr22-38145477-A-G. GRCh37 (hg19) VCF-style: chr22-38541484-A-G.
Other names: NM_003560.4(PLA2G6):c.386T>C; p.Leu129Pro; p.L129P; c.386T>C, p.Leu129Pro (NM_001004426.3, NM_001199562.3, NM_001349864.2 and 2 more transcripts); c.-149T>C (NM_001349867.2, NM_001349869.2); c.-105T>C (NM_001349868.2); c.386T>C (NM_003560.3); short protein forms L129P.
Identifiers: ClinVar variation 159768 (VCV000159768.37), dbSNP rs374746113, ClinGen allele CA173270.

ClinVar aggregate classification (germline): Conflicting classifications of pathogenicity. Review status: criteria provided, conflicting classifications (1 of 4 stars). 10 submissions from 10 submitters: Pathogenic (1); Likely pathogenic (5); Uncertain significance (3). 1 of the submissions does not count toward it. Last evaluated 2026-10-06.

Conditions:
PLA2G6-associated neurodegeneration (PLAN). Also called: phospholipase A2-associated neurodegeneration. Identifiers: Orphanet 329303, MedGen CN204472, MONDO:0017998.
Inborn genetic diseases. Identifiers: MedGen C0950123, MeSH D030342.
Autosomal recessive Parkinson disease 14. Also called: DYSTONIA-PARKINSONISM, ADULT-ONSET; PARKINSON DISEASE 14. Identifiers: Orphanet 199351, MedGen C2751842, MONDO:0013060, OMIM 612953.
Infantile neuroaxonal dystrophy (NBIA2A). Also called: SEITELBERGER DISEASE; NEURODEGENERATION WITH BRAIN IRON ACCUMULATION 2A; Infantile neuroaxonal dystrophy 1. Identifiers: Orphanet 35069, MedGen C0270724, MONDO:0024457, OMIM 256600.
Neurodegeneration with brain iron accumulation 2B. Also called: NEUROAXONAL DYSTROPHY, ATYPICAL; NEURODEGENERATION WITH BRAIN IRON ACCUMULATION, PLA2G6-RELATED; aNAD; atypical Neuroaxonal Dystrophy (aNAD). Identifiers: Orphanet 35069, MedGen C1857747, MONDO:0012444, OMIM 610217.
Neurodegeneration with brain iron accumulation (NBIA). Identifiers: Orphanet 385, MedGen C2931845, MONDO:0018307.
Iron accumulation in brain. Identifiers: MedGen C4021076, HP:0012675.

Allele frequency attached by ClinVar (database versions not stated): gnomAD exomes 0.00001 and 0.00004; ExAC 0.00005; gnomAD 0.00017 and 0.00019; TOPMed 0.00017; ESP Exome Variant Server 0.00023.
gnomAD v4.1: 42 of 1,611,876 alleles (0.0026%); highest among the groups gnomAD compares: African/African-American, 0.055%; no homozygotes.

Submissions (10):

GeneDx
Classification: Likely pathogenic. Last evaluated: 2026-10-06. Review status: criteria provided, single submitter. Criteria: GeneDx Variant Classification Process June 2021. Collection method: clinical testing. Allele origin: germline.
Comment: In silico analysis supports that this missense variant has a deleterious effect on protein structure/function; This variant is associated with the following publications: (PMID: 26633542, 29395073, 29859652, 35247231, 35152491, 34307755, 39425167, 33528536, 38582019)

Labcorp Genetics (formerly Invitae), Labcorp
Classification: Pathogenic for Infantile neuroaxonal dystrophy. Last evaluated: 2026-02-02. Review status: criteria provided, single submitter. Criteria: Invitae Variant Classification Sherloc (09022015). Collection method: clinical testing. Allele origin: germline.
Comment: This sequence change replaces leucine, which is neutral and non-polar, with proline, which is neutral and non-polar, at codon 129 of the PLA2G6 protein (p.Leu129Pro). This variant is present in population databases (rs374746113, gnomAD 0.06%). This missense change has been observed in individual(s) with clinical features of PLA2G6-related conditions (PMID: 2939507, 29395073, 34307755, 35247231; internal data). In at least one individual the data is consistent with being in trans (on the opposite chromosome) from a pathogenic variant. ClinVar contains an entry for this variant (Variation ID: 159768). Invitae Evidence Modeling of protein sequence and biophysical properties (such as structural, functional, and spatial information, amino acid conservation, physicochemical variation, residue mobility, and thermodynamic stability) indicates that this missense variant is not expected to disrupt PLA2G6 protein function with a negative predictive value of 80%. For these reasons, this variant has been classified as Pathogenic.

CeGaT Center for Human Genetics Tuebingen
Classification: Likely pathogenic. Last evaluated: 2025-03-01. Review status: criteria provided, single submitter. Criteria: CeGaT Center For Human Genetics Tuebingen Variant Classification Criteria Version 2. Collection method: clinical testing. Allele origin: germline. Affected: yes. Observed: 1 variant allele.
Comment: PLA2G6: PM3:Strong, PM2, PS3:Supporting

Women's Health and Genetics/Laboratory Corporation of America, LabCorp
Classification: Likely pathogenic for Neurodegeneration with brain iron accumulation. Last evaluated: 2024-06-20. Review status: criteria provided, single submitter. Criteria: LabCorp Variant Classification Summary - May 2015. Collection method: clinical testing. Allele origin: germline.
Comment: Variant summary: PLA2G6 c.386T>C (p.Leu129Pro) results in a non-conservative amino acid change in the encoded protein sequence. Three of five in-silico tools predict a damaging effect of the variant on protein function. The variant allele was found at a frequency of 9.2e-05 in 391476 control chromosomes, predominantly at a frequency of 0.00066 within the African or African-American subpopulation in the gnomAD database (v2.1 and v3.1). This frequency is somewhat lower than the maximum expected for a pathogenic variant in PLA2G6 causing Neurodegeneration with Brain Iron Accumulation (0.00085), allowing no conclusion about variant significance. The variant, c.386T>C, has been reported in the literature in compound heterozygous individuals affected with Neurodegeneration with Brain Iron Accumulation, infantile neuroaxonal dystrophy, or early-onset Parkinsonism with iron accumulation in the brain (e.g. Drecourt_2018, Gitiaux_2018, deOliveira_2021, Borja_2022) or in a patient with unspecified nervous system phenotype, where no variant in trans was specified (e.g. Retterer_2015). At least one publication reports experimental evidence evaluating an impact on protein function demonstrating iron overload and TfR1 dysregulation in patient derived fibroblasts (e.g. Drecourt_2018). The following publications have been ascertained in the context of this evaluation (PMID: 26633542, 29395073, 29859652, 34307755, 35247231). ClinVar contains an entry for this variant (Variation ID: 159768). Based on the evidence outlined above, the variant was classified as likely pathogenic.

Fulgent Genetics
Classification: Likely pathogenic for Infantile neuroaxonal dystrophy; Neurodegeneration with brain iron accumulation 2B; Autosomal recessive Parkinson disease 14. Last evaluated: 2024-05-09. Review status: criteria provided, single submitter. Criteria: ACMG Guidelines, 2015. Collection method: clinical testing. Allele origin: germline.

Broad Center for Mendelian Genomics, Broad Institute of MIT and Harvard
Classification: Uncertain significance for PLA2G6-associated neurodegeneration. Last evaluated: 2023-01-24. Review status: criteria provided, single submitter. Criteria: ACMG Guidelines, 2015. Collection method: curation. Allele origin: germline. Inheritance: Autosomal recessive inheritance.
Comment: The p.Leu129Pro variant in PLA2G6 has been reported in 3 individuals with PLA2G6-associated neurodegeneration (PMID: 29859652, 34307755, 35247231) and has been identified in 0.06% (14/24504) of African/African American chromosomes by the Genome Aggregation Database (gnomAD; dbSNP ID: rs374746113). Although this variant has been seen in the general population in a heterozygous state, its frequency is not high enough to rule out a pathogenic role. This variant has also been reported in ClinVar (Variation ID#: 159768) and has been interpreted as likely pathogenic by GeneDx and Ambry Genetics and as a variant of uncertain significance by Illumina Laboratory Services (Illumina), Invitae, Genetic Services Laboratory (University of Chicago), and Women's Health and Genetics/Laboratory Corporation of America (LabCorp). Of the 3 affected individuals, 1 was a compound heterozygote that carried a reported likely pathogenic variant in trans, which increases the likelihood that the p.Leu129Pro variant is pathogenic (PMID: 35247231). In vitro functional studies provide some evidence that the p.Leu129Pro variant may slightly impact protein function (PMID: 29395073). However, these types of assays may not accurately represent biological function. Computational prediction tools and conservation analyses do not provide strong support for or against an impact to the protein. In summary, the clinical significance of the p.Leu129Pro variant is uncertain. ACMG/AMP Criteria applied: PS3_moderate, PM3 (Richards 2015).

Ambry Genetics
Classification: Likely pathogenic for Inborn genetic diseases. Last evaluated: 2021-09-01. Review status: criteria provided, single submitter. Criteria: Ambry Variant Classification Scheme 2023. Collection method: clinical testing. Allele origin: germline.
Comment: The c.386T>C (p.L129P) alteration is located in exon 3 (coding exon 2) of the PLA2G6 gene. This alteration results from a T to C substitution at nucleotide position 386, causing the leucine (L) at amino acid position 129 to be replaced by a proline (P). Based on data from gnomAD, the C allele has an overall frequency of 0.01% (14/278142) total alleles studied. The highest observed frequency was 0.06% (14/24504) of African alleles. The p.L129P alteration has detected in the homozygous state and in trans with other PLA2G6 alterations in patients with features consistent with neurodegeneration with brain iron accumulation (Drecourt, 2018; Gitiaux, 2018; Ambry internal data). This amino acid position is well conserved in available vertebrate species. The in silico prediction for this alteration is inconclusive. Based on the available evidence, this alteration is classified as likely pathogenic.

Illumina Laboratory Services, Illumina
Classification: Uncertain significance for Infantile neuroaxonal dystrophy. Last evaluated: 2019-02-14. Review status: criteria provided, single submitter. Criteria: ICSLVariantClassificationCriteria RUGD 01 April 2020. Collection method: clinical testing. Allele origin: unknown.
Comment: The PLA2G6 c.386T>C (p.Leu129Pro) variant is a missense variant that has been reported in one study, in which it is found in one presumably compound heterozygous individual with a second missense variant (Gitiaux et al. 2018). Control data are unavailable for this variant, which is reported at a frequency of 0.000571 in the African/African-American population of the Genome Aggregation Database. Based on the limited evidence, the p.Leu129Pro variant is classified as a variant of uncertain significance for infantile neuroaxonal dystrophy 1.

Genetic Services Laboratory, University of Chicago
Classification: Uncertain significance for iron accumulation in brain. Last evaluated: 2013-02-08. Review status: criteria provided, single submitter. Criteria: ACMG Guidelines, 2007. Collection method: clinical testing. Allele origin: germline. Inheritance: Autosomal recessive inheritance.

Undiagnosed Diseases Network, NIH
Classification: Likely pathogenic for Infantile neuroaxonal dystrophy. Last evaluated: 2022-04-01. Review status: no assertion criteria provided. Collection method: clinical testing. Allele origin: maternal. Affected: yes. Observed: 1 variant allele, 1 compound heterozygote. Not counted in ClinVar's aggregate classification.

Literature cited by the submitters: PubMed 2939507 (cited by Labcorp Genetics (formerly Invitae), Labcorp); PubMed 29395073 (cited by 4 submitters); PubMed 34307755 (cited by Labcorp Genetics (formerly Invitae), Labcorp and Women's Health and Genetics/Laboratory Corporation of America, LabCorp); PubMed 35247231 (cited by 3 submitters); PubMed 26633542 (cited by Women's Health and Genetics/Laboratory Corporation of America, LabCorp); PubMed 29859652 (cited by 3 submitters).